The following is an entry in ClinVar:

ClinVar aggregate classification (germline): Uncertain significance (1 of 4 stars; one submission).

Allele frequency attached by ClinVar (database versions not stated): gnomAD 0.00001; gnomAD exomes 0.00001; TOPMed 0.00001.
gnomAD v4.1: 10 of 1,613,924 alleles (0.00062%); highest among the groups gnomAD compares: Non-Finnish European, 0.00085%; no homozygotes.

Submission:

Labcorp Genetics (formerly Invitae), Labcorp
Classification: Uncertain significance. Last evaluated: 2021-08-31. Review status: criteria provided, single submitter. Criteria: Invitae Variant Classification Sherloc (09022015). Collection method: clinical testing. Allele origin: germline.
Comment: This sequence change affects codon 286 of the PDE6A mRNA. It is a 'silent' change, meaning that it does not change the encoded amino acid sequence of the PDE6A protein. This variant also falls at the last nucleotide of exon 4, which is part of the consensus splice site for this exon. This variant is not present in population databases (ExAC no frequency). This variant has been observed in individual(s) with retinitis pigmentosa (Invitae). Variants that disrupt the consensus splice site are a relatively common cause of aberrant splicing (PMID: 17576681, 9536098). Algorithms developed to predict the effect of sequence changes on RNA splicing suggest that this variant may disrupt the consensus splice site. In summary, the available evidence is currently insufficient to determine the role of this variant in disease. Therefore, it has been classified as a Variant of Uncertain Significance.

Literature cited by the submitters: PubMed 17576681; PubMed 9536098.

NM_000440.3(PDE6A):c.858G>A (p.Lys286=)

Gene: PDE6A (phosphodiesterase 6A; minus strand). Cytogenetic location: 5q32.
Variant type: single nucleotide variant.
Coding change: c.858G>A on transcript NM_000440.3 (MANE Select); coding-DNA position 858, G replaced by A.
Protein change: p.Lys286=; no amino-acid change (lysine 286 retained).
Molecular consequence: synonymous variant.
Genome position (GRCh38, 1-based): chr5:149,931,028, C>T on the plus strand (G>A on the coding strand, the complement: PDE6A is on the minus strand). VCF-style: chr5-149931028-C-T. GRCh37 (hg19) VCF-style: chr5-149310591-C-T.
Identifiers: ClinVar variation 1494764 (VCV001494764.5), dbSNP rs1284884737, ClinGen allele CA447142031.
Genomic context (GRCh38, chr5:149,931,028, plus strand): 5'-CCGTCAGTCAGTGTCTGTTTAATCTTTTCTTGGAAATGTCTGTTGCTGAAGTTTTCTCAC[C>T]TTCTGCTTGGTCATGTCTAAGAGACCCACAGAGTATCTGTCACAGTTGAGGAAAGCACGG-3'
Protein context (NP_000431.2, residues 276-296): SVGLLDMTKQ[Lys286=]EFFDVWPVLM